The following is an entry in ClinVar:

ClinVar aggregate classification (germline): Conflicting classifications of pathogenicity. Review status: criteria provided, conflicting classifications (1 of 4 stars). 6 submissions from 6 submitters: Uncertain significance (3); Benign (1); Likely benign (1). 1 of the submissions does not count toward it. Last evaluated 2025-10-01.

Conditions:
Mowat-Wilson syndrome (MOWS). Also called: Classic Mowat-Wilson Syndrome. Identifiers: Orphanet 2152, MedGen C1856113, MONDO:0009341, OMIM 235730.

Allele frequency attached by ClinVar (database versions not stated): gnomAD 0.00001; gnomAD exomes 0.00001.
gnomAD v4.1: 20 of 1,613,954 alleles (0.0012%); highest among the groups gnomAD compares: Middle Eastern, 0.049%; no homozygotes.

Submissions (6):

CeGaT Center for Human Genetics Tuebingen
Classification: Likely benign. Last evaluated: 2025-10-01. Review status: criteria provided, single submitter. Criteria: CeGaT Center For Human Genetics Tuebingen Variant Classification Criteria Version 2. Collection method: clinical testing. Allele origin: germline. Affected: yes. Observed: 2 variant alleles.
Comment: ZEB2: BP1, BP4

Labcorp Genetics (formerly Invitae), Labcorp
Classification: Benign for Mowat-Wilson syndrome. Last evaluated: 2025-03-16. Review status: criteria provided, single submitter. Criteria: Invitae Variant Classification Sherloc (09022015). Collection method: clinical testing. Allele origin: germline.

Blueprint Genetics
Classification: Uncertain significance. Last evaluated: 2024-11-05. Review status: criteria provided, single submitter. Criteria: ACMG Guidelines, 2015. Collection method: clinical testing. Allele origin: germline.

Genome-Nilou Lab
Classification: Uncertain significance for Mowat-Wilson syndrome. Last evaluated: 2021-11-07. Review status: criteria provided, single submitter. Criteria: ACMG Guidelines, 2015. Collection method: clinical testing. Allele origin: germline. Affected: no.

Genetic Services Laboratory, University of Chicago
Classification: Uncertain significance. Last evaluated: 2016-09-13. Review status: criteria provided, single submitter. Criteria: ACMG Guidelines, 2015. Collection method: clinical testing. Allele origin: germline. Affected: no.

Department of Pathology and Laboratory Medicine, Sinai Health System
Classification: Uncertain significance. Review status: no assertion criteria provided. Collection method: clinical testing. Allele origin: unknown. Affected: yes. Study: The Canadian Open Genetics Repository (COGR). Not counted in ClinVar's aggregate classification.
Comment: The ZEB2 p.Thr809Ala variant was not identified in the literature nor was it identified in ClinVar, Cosmic, MutDB or LOVD 3.0. The variant was identified in dbSNP (ID: rs1490526407) and in control databases in 3 of 251276 chromosomes at a frequency of 0.000012 (Genome Aggregation Database Feb 27, 2017). The variant was observed in the following population: European (non-Finnish) in 3 of 113640 chromosomes (freq: 0.000026), but was not observed in the African, Latino, Ashkenazi Jewish, East Asian, European (Finnish), Other or South Asian populations. The c.2425A>G variant occurs outside of the splicing consensus sequence and in silico or computational prediction software programs (SpliceSiteFinder, MaxEntScan, NNSPLICE, GeneSplicer) do not predict a difference in splicing. The p.Thr809 residue is conserved in mammals, however four out of five computational analyses (PolyPhen-2, SIFT, AlignGVGD, BLOSUM) do not suggest a high likelihood of impact to the protein. This information is not predictive enough to rule out pathogenicity. In summary, based on the above information the clinical significance of this variant cannot be determined with certainty at this time. This variant is classified as a variant of uncertain significance.

NM_014795.4(ZEB2):c.2497A>G (p.Thr833Ala)

Gene: ZEB2 (zinc finger E-box binding homeobox 2; minus strand). Cytogenetic location: 2q22.3.
Variant type: single nucleotide variant.
Coding change: c.2497A>G on transcript NM_014795.4 (MANE Select); coding-DNA position 2497, A replaced by G.
Protein change: p.Thr833Ala; replaces threonine 833 with alanine.
Molecular consequence: missense variant.
Genome position (GRCh38, 1-based): chr2:144,398,690, T>C on the plus strand (A>G on the coding strand, the complement: ZEB2 is on the minus strand). VCF-style: chr2-144398690-T-C. GRCh37 (hg19) VCF-style: chr2-145156257-T-C.
Other names: c.2425A>G, p.Thr809Ala (NM_001171653.2); short protein forms T833A, T809A.
Identifiers: ClinVar variation 437325 (VCV000437325.38), dbSNP rs1490526407, ClinGen allele CA348708148.
Genomic context (GRCh38, chr2:144,398,690, plus strand): 5'-ATGAGGAAGAAACACTGTTATGATCTAAACTGATGCTACTAGCTTTTGTTTTGTTCTTTG[T>C]GGCTATAATACTTTTGGGTTCTTTCATTTGTTTTGGTAATGACAAGTCTAAAGGCTCAGC-3'
Protein context (NP_055610.1, residues 823-843): QMKEPKSIIA[Thr833Ala]KNKTKASSIS